The following is an entry in ClinVar:

NM_000492.4(CFTR):c.4223_4230del (p.Leu1408fs)

Gene: CFTR (CF transmembrane conductance regulator; plus strand). Cytogenetic location: 7q31.2.
Variant type: Deletion.
Coding change: c.4223_4230del on transcript NM_000492.4 (MANE Select); coding-DNA positions 4223 to 4230, 8 bases deleted (TGGAATGC; older notation c.4223_4230delTGGAATGC).
Protein change: p.Leu1408fs; shifts the reading frame from leucine 1408.
Molecular consequence: frameshift variant.
Genome position (GRCh38, 1-based): chr7:117,665,545-117,665,552, TGGAATGC deleted; deleting any 8 consecutive bases within chr7:117,665,540-117,665,552 gives the same sequence; the c. name uses the placement nearest the transcript's 3' end. VCF-style (leftmost placement, unchanged base first): chr7-117665539-CAATGCTGG-C. GRCh37 (hg19) VCF-style: chr7-117305593-CAATGCTGG-C.
Other names: c.4223_4230delTGGAATGC, p.Leu1408Profs (NM_000492.3); short protein forms L1408fs.
Identifiers: ClinVar variation 4818555 (VCV004818555.1).

ClinVar aggregate classification (germline): Likely pathogenic (1 of 4 stars; one submission).

Conditions:
CFTR-related disorder (CFTR-RD). Also called: CFTR-related disorders; CFTR-related condition. Identifiers: MedGen C5924204, MONDO:7770004.

Submission:

Natera, Inc.
Classification: Likely pathogenic for CFTR-related disorders. Last evaluated: 2024-12-04. Review status: criteria provided, single submitter. Criteria: Natera Variant Classification Schema (03/2026). Collection method: clinical testing. Allele origin: germline.
Comment: The c.4223_4230del variant in CFTR is a frameshift variant predicted to shift the reading frame beginning at codon 1408 and leads to a stop codon 51 codons downstream. This variant is expected to result in nonsense mediated decay, truncation, or a dysfunctional protein product. This variant is rare in the general population with a frequency below the threshold expected for the associated phenotype(s). Given the available evidence, this variant is classified as Likely Pathogenic.